The following is an entry in ClinVar:

ClinVar aggregate classification (germline): Pathogenic (1 of 4 stars; one submission).

Submission:

Labcorp Genetics (formerly Invitae), Labcorp
Classification: Pathogenic. Last evaluated: 2024-10-15. Review status: criteria provided, single submitter. Criteria: Invitae Variant Classification Sherloc (09022015). Collection method: clinical testing. Allele origin: germline.
Comment: This sequence change creates a premature translational stop signal (p.Cys922*) in the USH2A gene. It is expected to result in an absent or disrupted protein product. Loss-of-function variants in USH2A are known to be pathogenic (PMID: 10729113, 10909849, 20507924, 25649381). This variant is not present in population databases (gnomAD no frequency). This variant has not been reported in the literature in individuals affected with USH2A-related conditions. ClinVar contains an entry for this variant (Variation ID: 2013583). For these reasons, this variant has been classified as Pathogenic.

Literature cited by the submitters: PubMed 10729113; PubMed 10909849; PubMed 20507924; PubMed 25649381.

NM_206933.4(USH2A):c.2766T>A (p.Cys922Ter)

Genes: USH2A (usherin; minus strand), LOC122152296 (Sharpr-MPRA regulatory region 8762; plus strand). Cytogenetic location: 1q41.
Variant type: single nucleotide variant.
Coding change: c.2766T>A on transcript NM_206933.4 (MANE Select); coding-DNA position 2766, T replaced by A.
Protein change: p.Cys922Ter; replaces cysteine 922 with a stop codon.
Molecular consequence: nonsense.
Genome position (GRCh38, 1-based): chr1:216,246,628, A>T on the plus strand (T>A on the coding strand, the complement: USH2A is on the minus strand). VCF-style: chr1-216246628-A-T. GRCh37 (hg19) VCF-style: chr1-216419970-A-T.
Other names: c.2766T>A, p.Cys922Ter (NM_007123.6); short protein forms C922*.
Identifiers: ClinVar variation 2013583 (VCV002013583.4), dbSNP rs2528161213, ClinGen allele CA344864082.
Genomic context (GRCh38, chr1:216,246,628, plus strand): 5'-ATACATTTCTTTCTTACCTGGTTGACACTGATTACACCTTCTTCCTTGACGATTAGGCAC[A>T]CACAGGCACTGGCCACTGATTGGGTCACAAATGGTCCCAGGTAATGTCCCCAAGGAATCA-3'